The following is an entry in ClinVar:

NM_001012759.3(CTU2):c.1036A>G (p.Met346Val)

Gene: CTU2 (cytosolic thiouridylase subunit 2; plus strand). Cytogenetic location: 16q24.3.
Variant type: single nucleotide variant.
Coding change: c.1036A>G on transcript NM_001012759.3 (MANE Select); coding-DNA position 1036, A replaced by G.
Protein change: p.Met346Val; replaces methionine 346 with valine.
Molecular consequence: missense variant.
Genome position (GRCh38, 1-based): chr16:88,714,166, A>G. VCF-style: chr16-88714166-A-G. GRCh37 (hg19) VCF-style: chr16-88780574-A-G.
Other names: c.1036A>G, p.Met346Val (NM_001012762.3); c.1249A>G, p.Met417Val (NM_001318507.2); c.775A>G, p.Met259Val (NM_001318513.2); short protein forms M259V, M417V, M346V.
Identifiers: ClinVar variation 2101873 (VCV002101873.4), dbSNP rs1479697824, ClinGen allele CA397065511.

ClinVar aggregate classification (germline): Uncertain significance (1 of 4 stars; one submission).

Allele frequency attached by ClinVar (database versions not stated): gnomAD exomes below 0.00001.
gnomAD v4.1: 1 of 1,612,696 alleles (0.000062%); highest among the groups gnomAD compares: Non-Finnish European, 0.000085%; no homozygotes.

Submission:

Labcorp Genetics (formerly Invitae), Labcorp
Classification: Uncertain significance. Last evaluated: 2024-10-15. Review status: criteria provided, single submitter. Criteria: Invitae Variant Classification Sherloc (09022015). Collection method: clinical testing. Allele origin: germline.
Comment: This sequence change replaces methionine, which is neutral and non-polar, with valine, which is neutral and non-polar, at codon 346 of the CTU2 protein (p.Met346Val). The frequency data for this variant in the population databases is considered unreliable, as metrics indicate poor data quality at this position in the gnomAD database. This variant has not been reported in the literature in individuals affected with CTU2-related conditions. ClinVar contains an entry for this variant (Variation ID: 2101873). Invitae Evidence Modeling of protein sequence and biophysical properties (such as structural, functional, and spatial information, amino acid conservation, physicochemical variation, residue mobility, and thermodynamic stability) indicates that this missense variant is not expected to disrupt CTU2 protein function with a negative predictive value of 80%. In summary, the available evidence is currently insufficient to determine the role of this variant in disease. Therefore, it has been classified as a Variant of Uncertain Significance.